The following is an entry in ClinVar:

NM_198428.3(BBS9):c.1573T>G (p.Cys525Gly)

Gene: BBS9 (Bardet-Biedl syndrome 9; plus strand). Cytogenetic location: 7p14.3.
Variant type: single nucleotide variant.
Coding change: c.1573T>G on transcript NM_198428.3 (MANE Select); coding-DNA position 1573, T replaced by G.
Protein change: p.Cys525Gly; replaces cysteine 525 with glycine.
Molecular consequence: missense variant. On other transcripts: non-coding transcript variant (3).
Genome position (GRCh38, 1-based): chr7:33,357,875, T>G. VCF-style: chr7-33357875-T-G. GRCh37 (hg19) VCF-style: chr7-33397487-T-G.
Other names: c.1468T>G, p.Cys490Gly (NM_001033604.2); c.1558T>G, p.Cys520Gly (NM_001033605.2); c.1573T>G, p.Cys525Gly (NM_001348036.1, NM_001348041.4, NM_001348043.3 and 1 more transcripts); c.1207T>G, p.Cys403Gly (NM_001348037.3, NM_001348045.3, NM_001348046.3); c.1300T>G, p.Cys434Gly (NM_001348038.3); c.1195T>G, p.Cys399Gly (NM_001348039.3); c.1453T>G, p.Cys485Gly (NM_001348040.3, NM_014451.4); c.1438T>G, p.Cys480Gly (NM_001348042.3); and 1 more; short protein forms C399G, C434G, C480G, C520G, C368G, C403G, C485G, C490G.
Identifiers: ClinVar variation 4994419 (VCV004994419.1).
Genomic context (GRCh38, chr7:33,357,875, plus strand): 5'-TGTCAAGTCTATGAATCTACATATCTCTCTTTTATTTTAGGCATTCCGCGAGTTATCCAA[T>G]GTAAATTTAGACTTCCCCTAAAGTTAATTTGCCTACCAGGTCAGCCTTCAAAAACTGCAA-3'
Protein context (NP_940820.1, residues 515-535): NPDGIPRVIQ[Cys525Gly]KFRLPLKLIC

ClinVar aggregate classification (germline): Uncertain significance (1 of 4 stars; one submission).

Conditions:
BBS9-related disorder. Also called: BBS9-related condition.

Submission:

PreventionGenetics, part of Exact Sciences
Classification: Uncertain significance for BBS9-related condition. Last evaluated: 2026-03-13. Review status: criteria provided, single submitter. Criteria: ACMG Guidelines, 2015. Collection method: clinical testing. Allele origin: germline.
Comment: The BBS9 c.1573T>G variant is predicted to result in the amino acid substitution p.Cys525Gly. To our knowledge, this variant has not been reported in the literature or in a large population database (gnomAD), indicating this variant is rare. At this time, the clinical significance of this variant is uncertain due to the absence of conclusive functional and genetic evidence.